The following is an entry in ClinVar:

NM_001142301.1(TMEM67):c.-200G>C

Gene: TMEM67 (transmembrane protein 67; plus strand). Cytogenetic location: 8q22.1.
Variant type: single nucleotide variant.
Coding change: c.-200G>C on transcript NM_001142301.1; 200 bases upstream of the start codon, G replaced by C.
Molecular consequence: 5 prime UTR variant.
Genome position (GRCh38, 1-based): chr8:93,754,889, G>C. VCF-style: chr8-93754889-G-C. GRCh37 (hg19) VCF-style: chr8-94767117-G-C.
Other names: c.-26G>C (NM_153704.5).
Identifiers: ClinVar variation 262740 (VCV000262740.12), dbSNP rs79833026, ClinGen allele CA4807483.
Genomic context (GRCh38, chr8:93,754,889, plus strand): 5'-GGACTTGGGTTGTCCAATCAGCTCAGCGAAGCCGCCGCAGAGGCTGATGGGGGGCTGGAG[G>C]CTGTGAGGCTTCCAGCGTCGGTACCATGGCGACGCGCGGTGGGGCTGGGGTGGCAATGGC-3'

ClinVar aggregate classification (germline): Benign/Likely benign. Review status: criteria provided, multiple submitters, no conflicts (2 of 4 stars). 6 submissions from 4 submitters: Benign (4); Likely benign (1). 1 of the submissions does not count toward it. Last evaluated 2017-04-27.

Conditions:
TMEM67-related disorder. Also called: TMEM67-related condition; TMEM67-related disorders. Identifiers: MedGen CN239423.
Meckel syndrome, type 3 (MKS3). Also called: MECKEL-GRUBER SYNDROME, TYPE 3. Identifiers: Orphanet 564, MedGen C1846357, MONDO:0011821, OMIM 607361.
Joubert syndrome 6 (JBTS6). Identifiers: Orphanet 475, MedGen C1853153, MONDO:0012539, OMIM 610688.
Nephronophthisis 11 (NPHP11). Identifiers: Orphanet 84081, MedGen C3150796, MONDO:0013302, OMIM 613550.

Allele frequency attached by ClinVar (database versions not stated): ESP Exome Variant Server 0.01824; gnomAD 0.01971 and 0.01840; 1000 Genomes Project 30x 0.02092; TOPMed 0.02098; 1000 Genomes Project 0.02097.
gnomAD v4.1: 5,398 of 1,607,400 alleles (0.34%); highest among the groups gnomAD compares: African/African-American, 6.1%; 153 homozygotes.

Submissions (6):

Illumina Laboratory Services, Illumina
Classification: Benign for Joubert syndrome 6. Last evaluated: 2017-04-27. Review status: criteria provided, single submitter. Criteria: ICSL Variant Classification Criteria 13 December 2019. Collection method: clinical testing. Allele origin: germline.
Comment: This variant was observed as part of a predisposition screen in an ostensibly healthy population. A literature search was performed for the gene, cDNA change, and amino acid change (where applicable). No publications were found based on this search. Allele frequency data from public databases was too high to be consistent with this variant causing disease. Therefore, this variant is classified as benign.

Illumina Laboratory Services, Illumina
Classification: Benign for Nephronophthisis 11. Last evaluated: 2017-04-27. Review status: criteria provided, single submitter. Criteria: ICSL Variant Classification Criteria 13 December 2019. Collection method: clinical testing. Allele origin: germline.
Comment: the same text as in the submission from Illumina Laboratory Services, Illumina above.

Illumina Laboratory Services, Illumina
Classification: Benign for Meckel syndrome, type 3. Last evaluated: 2017-04-27. Review status: criteria provided, single submitter. Criteria: ICSL Variant Classification Criteria 13 December 2019. Collection method: clinical testing. Allele origin: germline.
Comment: the same text as in the submission from Illumina Laboratory Services, Illumina above.

GeneDx
Classification: Benign. Last evaluated: 2015-03-03. Review status: criteria provided, single submitter. Criteria: GeneDx Variant Classification Process June 2021. Collection method: clinical testing. Allele origin: germline. Affected: yes.

Breakthrough Genomics
Classification: Likely benign. Review status: criteria provided, single submitter. Criteria: ACMG Guidelines, 2015. Collection method: not provided. Allele origin: germline. Inheritance: Autosomal recessive inheritance. Affected: yes.

PreventionGenetics, part of Exact Sciences
Classification: Benign for TMEM67-related condition. Last evaluated: 2023-02-07. Review status: no assertion criteria provided. Collection method: clinical testing. Allele origin: germline. Not counted in ClinVar's aggregate classification.
Comment: This variant is classified as benign based on ACMG/AMP sequence variant interpretation guidelines (Richards et al. 2015 PMID: 25741868, with internal and published modifications).